The following is an entry in ClinVar:

NM_173596.3(SLC39A5):c.545C>T (p.Ala182Val)

Gene: SLC39A5 (solute carrier family 39 member 5; plus strand). Cytogenetic location: 12q13.3.
Variant type: single nucleotide variant.
Coding change: c.545C>T on transcript NM_173596.3 (MANE Select); coding-DNA position 545, C replaced by T.
Protein change: p.Ala182Val; replaces alanine 182 with valine.
Molecular consequence: missense variant.
Genome position (GRCh38, 1-based): chr12:56,234,897, C>T. VCF-style: chr12-56234897-C-T. GRCh37 (hg19) VCF-style: chr12-56628681-C-T.
Other names: c.545C>T, p.Ala182Val (NM_001135195.2); short protein forms A182V.
Identifiers: ClinVar variation 725205 (VCV000725205.4), dbSNP rs141402989, ClinGen allele CA6627093.

ClinVar aggregate classification (germline): Likely benign. Review status: criteria provided, multiple submitters, no conflicts (2 of 4 stars). 2 submissions from 2 submitters: Likely benign (2). Last evaluated 2026-01-07.

Conditions:
SLC39A5-related disorder. Also called: SLC39A5-related condition.

Allele frequency attached by ClinVar (database versions not stated): TOPMed 0.00007; gnomAD 0.00009 and 0.00021; gnomAD exomes 0.00020 and 0.00048; ExAC 0.00027; 1000 Genomes Project 30x 0.00094; 1000 Genomes Project 0.00100.
gnomAD v4.1: 702 of 1,613,948 alleles (0.043%); highest among the groups gnomAD compares: East Asian, 1.6%; 8 homozygotes.

Submissions (2):

PreventionGenetics, part of Exact Sciences
Classification: Likely benign for SLC39A5-related condition. Last evaluated: 2026-01-07. Review status: criteria provided, single submitter. Criteria: ACMG Guidelines, 2015. Collection method: clinical testing. Allele origin: germline.
Comment: This variant is classified as likely benign based on ACMG/AMP sequence variant interpretation guidelines (Richards et al. 2015 PMID: 25741868, with internal and published modifications).

Labcorp Genetics (formerly Invitae), Labcorp
Classification: Likely benign. Last evaluated: 2018-06-15. Review status: criteria provided, single submitter. Criteria: Invitae Variant Classification Sherloc (09022015). Collection method: clinical testing. Allele origin: germline.